The following is an entry in ClinVar:

NM_182914.3(SYNE2):c.11944A>G (p.Asn3982Asp)

Gene: SYNE2 (spectrin repeat containing nuclear envelope protein 2; plus strand). Cytogenetic location: 14q23.2.
Variant type: single nucleotide variant.
Coding change: c.11944A>G on transcript NM_182914.3 (MANE Select); coding-DNA position 11944, A replaced by G.
Protein change: p.Asn3982Asp; replaces asparagine 3982 with aspartic acid.
Molecular consequence: missense variant.
Genome position (GRCh38, 1-based): chr14:64,091,016, A>G. VCF-style: chr14-64091016-A-G. GRCh37 (hg19) VCF-style: chr14-64557734-A-G.
Other names: c.11944A>G, p.Asn3982Asp (NM_015180.6); short protein forms N3982D.
Identifiers: ClinVar variation 281303 (VCV000281303.45), dbSNP rs10137972, ClinGen allele CA7221954.

ClinVar aggregate classification (germline): Benign/Likely benign. Review status: criteria provided, multiple submitters, no conflicts (2 of 4 stars). 6 submissions from 6 submitters: Benign (3); Likely benign (2). 1 of the submissions does not count toward it. Last evaluated 2026-09-01.

Conditions:
SYNE2-related disorder. Also called: SYNE2-related condition.
Emery-Dreifuss muscular dystrophy 5, autosomal dominant (EDMD5). Also called: EMERY-DREIFUSS MUSCULAR DYSTROPHY 5. Identifiers: Orphanet 261, MedGen C2751805, MONDO:0013072, OMIM 612999.

gnomAD v4.1: 1,823 of 1,613,912 alleles (0.11%); highest among the groups gnomAD compares: Admixed American, 0.14%; 6 homozygotes.

Submissions (6):

CeGaT Center for Human Genetics Tuebingen
Classification: Benign. Last evaluated: 2026-09-01. Review status: criteria provided, single submitter. Criteria: CeGaT Center For Human Genetics Tuebingen Variant Classification Criteria Version 2. Collection method: clinical testing. Allele origin: germline. Affected: yes. Observed: 5 variant alleles.
Comment: SYNE2: BP4, BS1, BS2

Labcorp Genetics (formerly Invitae), Labcorp
Classification: Likely benign for Emery-Dreifuss muscular dystrophy 5, autosomal dominant. Last evaluated: 2026-01-24. Review status: criteria provided, single submitter. Criteria: Invitae Variant Classification Sherloc (09022015). Collection method: clinical testing. Allele origin: germline.

Blueprint Genetics
Classification: Likely benign. Last evaluated: 2024-11-25. Review status: criteria provided, single submitter. Criteria: ACMG Guidelines, 2015. Collection method: clinical testing. Allele origin: germline.

Illumina Laboratory Services, Illumina
Classification: Benign for Emery-Dreifuss muscular dystrophy 5, autosomal dominant. Last evaluated: 2018-01-13. Review status: criteria provided, single submitter. Criteria: ICSL Variant Classification Criteria 13 December 2019. Collection method: clinical testing. Allele origin: germline.
Comment: This variant was observed in the ICSL laboratory as part of a predisposition screen in an ostensibly healthy population. It had not been previously curated by ICSL or reported in the Human Gene Mutation Database (HGMD: prior to June 1st, 2018), and was therefore a candidate for classification through an automated scoring system. Utilizing variant allele frequency, disease prevalence and penetrance estimates, and inheritance mode, an automated score was calculated to assess if this variant is too frequent to cause the disease. Based on the score and internal cut-off values, a variant classified as benign is not then subjected to further curation. The score for this variant resulted in a classification of benign for this disease.

Eurofins Ntd Llc (ga)
Classification: Benign. Last evaluated: 2017-04-12. Review status: criteria provided, single submitter. Criteria: EGL Classification Definitions 2015. Collection method: clinical testing. Allele origin: germline. Observed: 4 variant alleles, 4 heterozygotes.

PreventionGenetics, part of Exact Sciences
Classification: Likely benign for SYNE2-related condition. Last evaluated: 2022-12-13. Review status: no assertion criteria provided. Collection method: clinical testing. Allele origin: germline. Not counted in ClinVar's aggregate classification.
Comment: This variant is classified as likely benign based on ACMG/AMP sequence variant interpretation guidelines (Richards et al. 2015 PMID: 25741868, with internal and published modifications).